The following is an entry in ClinVar:

ClinVar aggregate classification (germline): Uncertain significance (1 of 4 stars; one submission).

Allele frequency attached by ClinVar (database versions not stated): TOPMed below 0.00001.

Submission:

Ambry Genetics
Classification: Uncertain significance. Last evaluated: 2023-03-02. Review status: criteria provided, single submitter. Criteria: Ambry Variant Classification Scheme 2023. Collection method: clinical testing. Allele origin: germline.
Comment: The p.S156R variant (also known as c.468T>G), located in coding exon 1 of the EGLN2 gene, results from a T to G substitution at nucleotide position 468. The serine at codon 156 is replaced by arginine, an amino acid with dissimilar properties. This amino acid position is conserved. In addition, this alteration is predicted to be tolerated by in silico analysis. Since supporting evidence is limited at this time, the clinical significance of this alteration remains unclear.

NM_080732.4(EGLN2):c.468T>G (p.Ser156Arg)

Genes: EGLN2 (egl-9 family hypoxia inducible factor 2; plus strand), RAB4B-EGLN2 (RAB4B-EGLN2 readthrough (NMD candidate); plus strand). Cytogenetic location: 19q13.2.
Variant type: single nucleotide variant.
Coding change: c.468T>G on transcript NM_080732.4 (MANE Select); coding-DNA position 468, T replaced by G.
Protein change: p.Ser156Arg; replaces serine 156 with arginine.
Molecular consequence: missense variant. On other transcripts: non-coding transcript variant (1).
Genome position (GRCh38, 1-based): chr19:40,801,040, T>G. VCF-style: chr19-40801040-T-G. GRCh37 (hg19) VCF-style: chr19-41306945-T-G.
Other names: c.468T>G, p.Ser156Arg (NM_053046.4); short protein forms S156R.
Identifiers: ClinVar variation 2497298 (VCV002497298.2), dbSNP rs2083253014, ClinGen allele CA405955325.